The following is an entry in ClinVar:

ClinVar aggregate classification (germline): Uncertain significance. Review status: criteria provided, multiple submitters, no conflicts (2 of 4 stars). 2 submissions from 2 submitters: Uncertain significance (2). Last evaluated 2025-11-21.

Allele frequency attached by ClinVar (database versions not stated): gnomAD exomes 0.00001; TOPMed 0.00001; ExAC 0.00002; ESP Exome Variant Server 0.00008.

Submissions (2):

Labcorp Genetics (formerly Invitae), Labcorp
Classification: Uncertain significance. Last evaluated: 2025-11-21. Review status: criteria provided, single submitter. Criteria: Invitae Variant Classification Sherloc (09022015). Collection method: clinical testing. Allele origin: germline.
Comment: This sequence change replaces valine, which is neutral and non-polar, with glycine, which is neutral and non-polar, at codon 54 of the RAX2 protein (p.Val54Gly). This variant is present in population databases (rs138553345, gnomAD 0.003%). This variant has not been reported in the literature in individuals affected with RAX2-related conditions. ClinVar contains an entry for this variant (Variation ID: 1444074). An algorithm developed to predict the effect of missense changes on protein structure and function (PolyPhen-2) suggests that this variant is likely to be tolerated. In summary, the available evidence is currently insufficient to determine the role of this variant in disease. Therefore, it has been classified as a Variant of Uncertain Significance.

Ambry Genetics
Classification: Uncertain significance. Last evaluated: 2023-03-20. Review status: criteria provided, single submitter. Criteria: Ambry Variant Classification Scheme 2023. Collection method: clinical testing. Allele origin: germline.

NM_001319074.4(RAX2):c.161T>G (p.Val54Gly)

Gene: RAX2 (retina and anterior neural fold homeobox 2; minus strand). Cytogenetic location: 19p13.3.
Variant type: single nucleotide variant.
Coding change: c.161T>G on transcript NM_001319074.4 (MANE Select); coding-DNA position 161, T replaced by G.
Protein change: p.Val54Gly; replaces valine 54 with glycine.
Molecular consequence: missense variant.
Genome position (GRCh38, 1-based): chr19:3,771,582, A>C on the plus strand (T>G on the coding strand, the complement: RAX2 is on the minus strand). VCF-style: chr19-3771582-A-C. GRCh37 (hg19) VCF-style: chr19-3771580-A-C.
Other names: c.161T>G, p.Val54Gly (NM_032753.4); c.161T>G (NM_032753.3); short protein forms V54G.
Identifiers: ClinVar variation 1444074 (VCV001444074.7), dbSNP rs138553345, ClinGen allele CA9085098.
Genomic context (GRCh38, chr19:3,771,582, plus strand): 5'-CTCACCTGCACGCGCACCTCAGGTAGGTGCACCTTGGCTGCCAGCTCCTCACGGCTGTAC[A>C]CATCCGGGTAGTGAGAGGCCTCGAACGCCCGCTCCAGCTGGTGCAGCTGGTAGGTGGTGA-3'
Protein context (NP_001306003.2, residues 44-64): RAFEASHYPD[Val54Gly]YSREELAAKV